The following is an entry in ClinVar:

NM_207034.3(EDN3):c.472C>A (p.Arg158Ser)

Gene: EDN3 (endothelin 3; plus strand). Cytogenetic location: 20q13.32.
Variant type: single nucleotide variant.
Coding change: c.472C>A on transcript NM_207034.3 (MANE Select); coding-DNA position 472, C replaced by A.
Protein change: p.Arg158Ser; replaces arginine 158 with serine.
Molecular consequence: missense variant.
Genome position (GRCh38, 1-based): chr20:59,321,123, C>A. VCF-style: chr20-59321123-C-A. GRCh37 (hg19) VCF-style: chr20-57896178-C-A.
Other names: c.472C>A, p.Arg158Ser (NM_001302455.2, NM_001302456.2, NM_207032.3 and 1 more transcripts); short protein forms R158S.
Identifiers: ClinVar variation 208681 (VCV000208681.3), dbSNP rs753482233, ClinGen allele CA204667.

ClinVar aggregate classification (germline): Uncertain significance. Review status: criteria provided, multiple submitters, no conflicts (2 of 4 stars). 2 submissions from 2 submitters: Uncertain significance (2). Last evaluated 2024-05-01.

Conditions:
Inborn genetic diseases. Identifiers: MedGen C0950123, MeSH D030342.

Allele frequency attached by ClinVar (database versions not stated): gnomAD exomes below 0.00001; ExAC 0.00001; gnomAD 0.00001.
gnomAD v4.1: 4 of 1,614,116 alleles (0.00025%); highest among the groups gnomAD compares: Non-Finnish European, 0.00034%; no homozygotes.

Submissions (2):

Greenwood Genetic Center Diagnostic Laboratories, Greenwood Genetic Center
Classification: Uncertain significance. Last evaluated: 2024-05-01. Review status: criteria provided, single submitter. Criteria: ACMG Guidelines, 2015. Collection method: clinical testing. Allele origin: germline. Affected: yes.
Comment: PM2

Ambry Genetics
Classification: Uncertain significance for Inborn genetic diseases. Review status: criteria provided, single submitter. Criteria: Ambry exome assertion method (8-5-2015). Collection method: clinical testing. Allele origin: germline. Affected: yes. Observed: 1 heterozygote.
Comment: UNCERTAIN: Alteration of Uncertain Clinical Relevance Detected

Literature cited by the submitters: PubMed 25356970 (cited by Ambry Genetics).